The following is an entry in ClinVar:

ClinVar aggregate classification (germline): Uncertain significance (1 of 4 stars; one submission).

Conditions:
Maturity-onset diabetes of the young (MODY). Also called: Maturity onset diabetes mellitus in young. Identifiers: Orphanet 552, MedGen C0342276, MONDO:0018911, HP:0004904.

Submission:

Clinical Genomics, Uppaluri K&H Personalized Medicine Clinic
Classification: Uncertain significance for Maturity-onset diabetes of the young. Review status: criteria provided, single submitter. Criteria: K & H Uppaluri Personalized Medicine Clinic Variant Classification & Assertion Criteria_Updated V.1. Collection method: research. Allele origin: unknown. Inheritance: Autosomal dominant inheritance.
Comment: Potent mutations in HNF4A are associated with poor insulin secretion in response to hyperglycemia. Associated with MODY1. Patients initially respond well to sulfonylureas but eventually become insulin dependent. However, more evidence is required to ascertain the role of this particular variant rs886056700 in MODY, yet.

Literature cited by the submitters: DOI 10.1159/000334532; PubMed 18268044; PubMed 17563455; PubMed 32583173; PubMed 35052457; PubMed 35118593.

NM_175914.5(HNF4A):c.*2777del

Gene: HNF4A (hepatocyte nuclear factor 4 alpha; plus strand). Cytogenetic location: 20q13.12.
Variant type: Deletion.
Coding change: c.*2777del on transcript NM_175914.5 (MANE Select); 2777 bases downstream of the stop codon, one base deleted (G; older notation c.*2777delG).
Molecular consequence: 3 prime UTR variant.
Genome position (GRCh38, 1-based): chr20:44,432,442, G deleted; the last of 3 consecutive G bases (chr20:44,432,440-44,432,442); deleting any one gives the same sequence. VCF-style (leftmost placement, unchanged base first): chr20-44432439-TG-T. GRCh37 (hg19) VCF-style: chr20-43061079-TG-T.
Other names: c.*2777del (NM_000457.6, NM_001030003.3, NM_001258355.2 and 3 more transcripts).
Identifiers: ClinVar variation 338486 (VCV000338486.6), dbSNP rs886056700, ClinGen allele CA10652545.